The following is an entry in ClinVar:

ClinVar aggregate classification (germline): Uncertain significance (1 of 4 stars; one submission).

Conditions:
SMAD6-related disease. Also called: SMAD6-related condition; SMAD6-related disorder. Identifiers: MedGen CN381596, MONDO:0700324.

Submission:

PreventionGenetics, part of Exact Sciences
Classification: Uncertain significance for SMAD6-related condition. Last evaluated: 2025-06-12. Review status: criteria provided, single submitter. Criteria: ACMG Guidelines, 2015. Collection method: clinical testing. Allele origin: germline.
Comment: The SMAD6 c.1302C>A variant is predicted to result in premature protein termination (p.Tyr434*). To our knowledge, this variant has not been reported in the literature or in a large population database (gnomAD), indicating this variant is rare. This variant is located in the terminal exon. Although early termination changes are reported in affected individuals in the literature, both up and downstream, many adjacent early termination changes are also present in population databases such as gnomAD. At this time, the clinical significance of this variant is uncertain due to the absence of conclusive functional and genetic evidence.

NM_005585.5(SMAD6):c.1302C>A (p.Tyr434Ter)

Gene: SMAD6 (SMAD family member 6; plus strand). Cytogenetic location: 15q22.31.
Variant type: single nucleotide variant.
Coding change: c.1302C>A on transcript NM_005585.5 (MANE Select); coding-DNA position 1302, C replaced by A.
Protein change: p.Tyr434Ter; replaces tyrosine 434 with a stop codon.
Molecular consequence: nonsense. On other transcripts: non-coding transcript variant (1).
Genome position (GRCh38, 1-based): chr15:66,781,346, C>A. VCF-style: chr15-66781346-C-A. GRCh37 (hg19) VCF-style: chr15-67073684-C-A.
Other names: short protein forms Y434*.
Identifiers: ClinVar variation 4999292 (VCV004999292.1).